The following is an entry in ClinVar:

NM_000179.3(MSH6):c.76A>G (p.Arg26Gly)

Gene: MSH6 (mutS homolog 6; plus strand). Cytogenetic location: 2p16.3.
Variant type: single nucleotide variant.
Coding change: c.76A>G on transcript NM_000179.3 (MANE Select); coding-DNA position 76, A replaced by G.
Protein change: p.Arg26Gly; replaces arginine 26 with glycine.
Molecular consequence: missense variant. On other transcripts: 5 prime UTR variant (1).
Genome position (GRCh38, 1-based): chr2:47,783,309, A>G. VCF-style: chr2-47783309-A-G. GRCh37 (hg19) VCF-style: chr2-48010448-A-G.
Other names: c.76A>G, p.Arg26Gly (NM_001281492.2); c.-661A>G (NM_001281493.2); short protein forms R26G.
Identifiers: ClinVar variation 410531 (VCV000410531.17), dbSNP rs757622849, ClinGen allele CA16611071.

ClinVar aggregate classification (germline): Conflicting classifications of pathogenicity. Review status: criteria provided, conflicting classifications (1 of 4 stars). 6 submissions from 6 submitters: Uncertain significance (3); Benign (1); Likely benign (2). Last evaluated 2026-01-12.

Conditions:
Hereditary cancer-predisposing syndrome. Also called: Tumor predisposition; Hereditary Cancer Syndrome; Hereditary neoplastic syndrome; Neoplastic Syndromes, Hereditary. Identifiers: Orphanet 140162, MedGen C0027672, MeSH D009386, MONDO:0015356.
Lynch syndrome. Identifiers: Orphanet 144, MedGen C4552100, MONDO:0005835. Disease mechanism: loss of function.
Endometrial carcinoma. Also called: Endometrial carcinoma, somatic. Identifiers: MedGen C0476089, MONDO:0002447, OMIM 608089, HP:0012114.
Hereditary nonpolyposis colorectal neoplasms. Identifiers: MedGen C0009405, MeSH D003123.

Allele frequency attached by ClinVar (database versions not stated): gnomAD exomes below 0.00001.
gnomAD v4.1: 2 of 1,611,920 alleles (0.00012%); highest among the groups gnomAD compares: African/African-American, 0.0013%; no homozygotes.

Submissions (6):

Labcorp Genetics (formerly Invitae), Labcorp
Classification: Benign for Hereditary nonpolyposis colorectal neoplasms. Last evaluated: 2026-01-12. Review status: criteria provided, single submitter. Criteria: Invitae Variant Classification Sherloc (09022015). Collection method: clinical testing. Allele origin: germline.

Women's Health and Genetics/Laboratory Corporation of America, LabCorp
Classification: Uncertain significance. Last evaluated: 2024-11-16. Review status: criteria provided, single submitter. Criteria: LabCorp Variant Classification Summary - May 2015. Collection method: clinical testing. Allele origin: germline.

Color Diagnostics, LLC DBA Color Health
Classification: Likely benign for Hereditary cancer-predisposing syndrome. Last evaluated: 2024-10-02. Review status: criteria provided, single submitter. Criteria: ACMG Guidelines, 2015. Collection method: clinical testing. Allele origin: germline.

All of Us Research Program, National Institutes of Health
Classification: Likely benign for Lynch syndrome. Last evaluated: 2024-08-13. Review status: criteria provided, single submitter. Criteria: ACMG Guidelines, 2015. Collection method: clinical testing. Allele origin: germline. Inheritance: Autosomal dominant inheritance. Observed: 2 variant alleles, 2 heterozygotes.
Comment: This study involves interpretation of variants in research participants for the purpose of population health screening. Participant phenotype was not available at the time of variant classification. Additional details can be found in publication PMID: 35346344, PMCID: PMC8962531

Ambry Genetics
Classification: Uncertain significance for Hereditary cancer-predisposing syndrome. Last evaluated: 2024-04-28. Review status: criteria provided, single submitter. Criteria: Ambry Variant Classification Scheme 2023. Collection method: clinical testing. Allele origin: germline.
Comment: The p.R26G variant (also known as c.76A>G), located in coding exon 1 of the MSH6 gene, results from an A to G substitution at nucleotide position 76. The arginine at codon 26 is replaced by glycine, an amino acid with dissimilar properties. This amino acid position is not well conserved in available vertebrate species. In addition, this alteration is predicted to be tolerated by in silico analysis. Since supporting evidence is limited at this time, the clinical significance of this alteration remains unclear.

Baylor Genetics
Classification: Uncertain significance for Endometrial carcinoma. Last evaluated: 2024-02-19. Review status: criteria provided, single submitter. Criteria: ACMG Guidelines, 2015. Collection method: clinical testing. Allele origin: unknown.